The following is an entry in ClinVar:

ClinVar aggregate classification (germline): Uncertain significance (1 of 4 stars; one submission).

Conditions:
Muscular dystrophy-dystroglycanopathy type B5 (MDDGB5). Also called: MUSCULAR DYSTROPHY-DYSTROGLYCANOPATHY (CONGENITAL WITH OR WITHOUT IMPAIRED INTELLECTUAL DEVELOPMENT), TYPE B, 5; MUSCULAR DYSTROPHY, CONGENITAL, 1C; MUSCULAR DYSTROPHY, CONGENITAL, FKRP-RELATED. Identifiers: MedGen C1847759, MONDO:0011688, OMIM 606612.
Autosomal recessive limb-girdle muscular dystrophy type 2I. Also called: MUSCULAR DYSTROPHY-DYSTROGLYCANOPATHY (LIMB-GIRDLE), TYPE C, 5; MUSCULAR DYSTROPHY, LIMB-GIRDLE, TYPE 2I; MUSCULAR DYSTROPHY-DYSTROGLYCANOPATHY, LIMB-GIRDLE, FRKP-RELATED. Identifiers: Orphanet 34515, MedGen C1846672, MONDO:0011787, OMIM 607155.
Muscular dystrophy-dystroglycanopathy (congenital with brain and eye anomalies), type A5. Also called: MUSCULAR DYSTROPHY-DYSTROGLYCANOPATHY (CONGENITAL WITH BRAIN AND EYE ANOMALIES), TYPE A, 5; WALKER-WARBURG SYNDROME OR MUSCLE-EYE-BRAIN DISEASE, FKRP-RELATED. Identifiers: Orphanet 588, Orphanet 899, MedGen C3150413, MONDO:0013157, OMIM 613153.

Submission:

Diagnostics Services (NGS), CSIR - Centre For Cellular And Molecular Biology
Classification: Uncertain significance for Muscular dystrophy-dystroglycanopathy (congenital with brain and eye anomalies), type A5; Muscular dystrophy-dystroglycanopathy type B5; Autosomal recessive limb-girdle muscular dystrophy type 2I. Last evaluated: 2025-05-14. Review status: criteria provided, single submitter. Criteria: ACMG Guidelines, 2015. Collection method: clinical testing. Allele origin: unknown. Affected: no. Observed: 2 variant alleles, 2 heterozygotes.
Comment: The c.896C>T variant is not present in publicly available population databases like 1000 Genomes, EVS, gnomAD, Indian Exome Database or our internal database. This variant has neither been published in literature in individuals affected with FKRP-related conditions nor reported to the clinical databases like Human Genome Mutation Database (HGMD), ClinVar or OMIM, in any affected individuals. In-silico pathogenicity prediction programs like Polyphen-2, MutationTaster2, CADD, etc predicted this variant to be likely deleterious, however these predictions were not confirmed by published functional studies. This variant is present in a mutational hotspot region of the gene. It was identified in a couple as a part of carrier screening.

NM_024301.5(FKRP):c.896C>T (p.Thr299Ile)

Gene: FKRP (fukutin related protein; plus strand). Cytogenetic location: 19q13.32.
Variant type: single nucleotide variant.
Coding change: c.896C>T on transcript NM_024301.5 (MANE Select); coding-DNA position 896, C replaced by T.
Protein change: p.Thr299Ile; replaces threonine 299 with isoleucine.
Molecular consequence: missense variant.
Genome position (GRCh38, 1-based): chr19:46,756,346, C>T. VCF-style: chr19-46756346-C-T. GRCh37 (hg19) VCF-style: chr19-47259603-C-T.
Other names: c.896C>T, p.Thr299Ile (NM_001039885.3); short protein forms T299I.
Identifiers: ClinVar variation 4057273 (VCV004057273.1).
Genomic context (GRCh38, chr19:46,756,346, plus strand): 5'-GGGAAGGCGGGCGGCTGGAGTGGTTCGGCTGCAACAAGGAGACCACGCGCTGCTTCGGAA[C>T]CGTGGTGGGCGACACGCCCGCCTACCTCTACGAGGAGCGCTGGACGCCCCCCTGCTGCCT-3'
Protein context (NP_077277.1, residues 289-309): CNKETTRCFG[Thr299Ile]VVGDTPAYLY